The following is an entry in ClinVar:

NM_002074.5(GNB1):c.543C>T (p.Thr181=)

Gene: GNB1 (G protein subunit beta 1; minus strand). Cytogenetic location: 1p36.33.
Variant type: single nucleotide variant.
Coding change: c.543C>T on transcript NM_002074.5 (MANE Select); coding-DNA position 543, C replaced by T.
Protein change: p.Thr181=; no amino-acid change (threonine 181 retained).
Molecular consequence: synonymous variant.
Genome position (GRCh38, 1-based): chr1:1,790,551, G>A on the plus strand (C>T on the coding strand, the complement: GNB1 is on the minus strand). VCF-style: chr1-1790551-G-A. GRCh37 (hg19) VCF-style: chr1-1721990-G-A.
Other names: c.243C>T, p.Thr81= (NM_001282538.2); c.543C>T, p.Thr181= (NM_001282539.2); c.543C>T (NM_002074.4).
Identifiers: ClinVar variation 1638964 (VCV001638964.33), dbSNP rs768039402, ClinGen allele CA531981.

ClinVar aggregate classification (germline): Likely benign. Review status: criteria provided, multiple submitters, no conflicts (2 of 4 stars). 3 submissions from 3 submitters: Likely benign (2). 1 of the submissions does not count toward it. Last evaluated 2025-02-18.

Conditions:
GNB1-related disorder. Also called: GNB1-related condition.

Allele frequency attached by ClinVar (database versions not stated): gnomAD exomes 0.00001 and 0.00002; ExAC 0.00002; gnomAD 0.00002; TOPMed 0.00003.
gnomAD v4.1: 28 of 1,613,558 alleles (0.0017%); highest among the groups gnomAD compares: South Asian, 0.0044%; no homozygotes.

Submissions (3):

Labcorp Genetics (formerly Invitae), Labcorp
Classification: Likely benign. Last evaluated: 2025-02-18. Review status: criteria provided, single submitter. Criteria: Invitae Variant Classification Sherloc (09022015). Collection method: clinical testing. Allele origin: germline.

CeGaT Center for Human Genetics Tuebingen
Classification: Likely benign. Last evaluated: 2024-09-01. Review status: criteria provided, single submitter. Criteria: CeGaT Center For Human Genetics Tuebingen Variant Classification Criteria Version 2. Collection method: clinical testing. Allele origin: germline. Affected: yes. Observed: 2 variant alleles.
Comment: GNB1: BP4, BP7

PreventionGenetics, part of Exact Sciences
Classification: Likely benign for GNB1-related condition. Last evaluated: 2019-06-10. Review status: no assertion criteria provided. Collection method: clinical testing. Allele origin: germline. Not counted in ClinVar's aggregate classification.
Comment: This variant is classified as likely benign based on ACMG/AMP sequence variant interpretation guidelines (Richards et al. 2015 PMID: 25741868, with internal and published modifications).